The following is an entry in ClinVar:

ClinVar aggregate classification (germline): Uncertain significance (1 of 4 stars; one submission).

Allele frequency attached by ClinVar (database versions not stated): gnomAD exomes below 0.00001.

Submission:

GeneDx
Classification: Uncertain significance. Last evaluated: 2019-03-05. Review status: criteria provided, single submitter. Criteria: GeneDx Variant Classification Process June 2021. Collection method: clinical testing. Allele origin: germline. Affected: yes.
Comment: Not observed at a significant frequency in large population cohorts (Lek et al., 2016); In silico analysis, which includes protein predictors and evolutionary conservation, supports a deleterious effect

NM_000334.4(SCN4A):c.4708A>C (p.Asn1570His)

Genes: SCN4A (sodium voltage-gated channel alpha subunit 4; minus strand), GH-LCR (growth hormone locus control region; plus strand). Cytogenetic location: 17q23.3.
Variant type: single nucleotide variant.
Coding change: c.4708A>C on transcript NM_000334.4 (MANE Select); coding-DNA position 4708, A replaced by C.
Protein change: p.Asn1570His; replaces asparagine 1570 with histidine.
Molecular consequence: missense variant.
Genome position (GRCh38, 1-based): chr17:63,941,574, T>G on the plus strand (A>C on the coding strand, the complement: SCN4A is on the minus strand). VCF-style: chr17-63941574-T-G. GRCh37 (hg19) VCF-style: chr17-62018934-T-G.
Other names: short protein forms N1570H.
Identifiers: ClinVar variation 1306041 (VCV001306041.2), dbSNP rs1222651444, ClinGen allele CA400615319.